The following is an entry in ClinVar:

ClinVar aggregate classification (germline): Uncertain significance (1 of 4 stars; one submission).

Submission:

Labcorp Genetics (formerly Invitae), Labcorp
Classification: Uncertain significance. Last evaluated: 2024-04-25. Review status: criteria provided, single submitter. Criteria: Invitae Variant Classification Sherloc (09022015). Collection method: clinical testing. Allele origin: germline.
Comment: This sequence change replaces aspartic acid, which is acidic and polar, with valine, which is neutral and non-polar, at codon 2196 of the DCHS1 protein (p.Asp2196Val). This variant is not present in population databases (gnomAD no frequency). This variant has not been reported in the literature in individuals affected with DCHS1-related conditions. Advanced modeling of protein sequence and biophysical properties (such as structural, functional, and spatial information, amino acid conservation, physicochemical variation, residue mobility, and thermodynamic stability) performed at Invitae indicates that this missense variant is not expected to disrupt DCHS1 protein function with a negative predictive value of 80%. In summary, the available evidence is currently insufficient to determine the role of this variant in disease. Therefore, it has been classified as a Variant of Uncertain Significance.

NM_003737.4(DCHS1):c.6587A>T (p.Asp2196Val)

Gene: DCHS1 (dachsous cadherin-related 1; minus strand). Cytogenetic location: 11p15.4.
Variant type: single nucleotide variant.
Coding change: c.6587A>T on transcript NM_003737.4 (MANE Select); coding-DNA position 6587, A replaced by T.
Protein change: p.Asp2196Val; replaces aspartic acid 2196 with valine.
Molecular consequence: missense variant.
Genome position (GRCh38, 1-based): chr11:6,626,064, T>A on the plus strand (A>T on the coding strand, the complement: DCHS1 is on the minus strand). VCF-style: chr11-6626064-T-A. GRCh37 (hg19) VCF-style: chr11-6647295-T-A.
Other names: short protein forms D2196V.
Identifiers: ClinVar variation 3650932 (VCV003650932.2).